The following is an entry in ClinVar:

ClinVar aggregate classification (germline): Likely benign. Review status: criteria provided, multiple submitters, no conflicts (2 of 4 stars). 3 submissions from 3 submitters: Likely benign (3). Last evaluated 2025-10-11.

Conditions:
Medium-chain acyl-coenzyme A dehydrogenase deficiency (ACADMD). Also called: ACADM DEFICIENCY; MCADH DEFICIENCY; MCADD; MCAD Deficiency; CARNITINE DEFICIENCY SECONDARY TO MEDIUM-CHAIN ACYL-CoA DEHYDROGENASE DEFICIENCY; Medium chain acyl-CoA dehydrogenase deficiency. Identifiers: Orphanet 42, MedGen C0220710, MONDO:0008721, OMIM 201450.
ACADM-related disorder. Also called: ACADM-related condition.

Allele frequency attached by ClinVar (database versions not stated): ExAC 0.00002; TOPMed 0.00002; gnomAD 0.00003; gnomAD exomes 0.00003.
gnomAD v4.1: 49 of 1,592,870 alleles (0.0031%); highest among the groups gnomAD compares: Non-Finnish European, 0.0025%; no homozygotes.

Submissions (3):

PreventionGenetics, part of Exact Sciences
Classification: Likely benign for ACADM-related condition. Last evaluated: 2025-10-11. Review status: criteria provided, single submitter. Criteria: ACMG Guidelines, 2015. Collection method: clinical testing. Allele origin: germline.
Comment: This variant is classified as likely benign based on ACMG/AMP sequence variant interpretation guidelines (Richards et al. 2015 PMID: 25741868, with internal and published modifications).

Labcorp Genetics (formerly Invitae), Labcorp
Classification: Likely benign for Medium-chain acyl-coenzyme A dehydrogenase deficiency. Last evaluated: 2025-05-19. Review status: criteria provided, single submitter. Criteria: Invitae Variant Classification Sherloc (09022015). Collection method: clinical testing. Allele origin: germline.

Blueprint Genetics
Classification: Likely benign. Last evaluated: 2024-11-21. Review status: criteria provided, single submitter. Criteria: ACMG Guidelines, 2015. Collection method: clinical testing. Allele origin: germline.

NM_000016.6(ACADM):c.118+10C>T

Gene: ACADM (acyl-CoA dehydrogenase medium chain; plus strand). Cytogenetic location: 1p31.1.
Variant type: single nucleotide variant.
Coding change: c.118+10C>T on transcript NM_000016.6 (MANE Select); 10 bases into the intron after coding-DNA position 118, C replaced by T.
Molecular consequence: intron variant.
Genome position (GRCh38, 1-based): chr1:75,728,498, C>T. VCF-style: chr1-75728498-C-T. GRCh37 (hg19) VCF-style: chr1-76194183-C-T.
Other names: c.130+10C>T (NM_001127328.3); c.118+10C>T (NM_001286043.2); c.10+3681C>T (NM_001286042.2); c.-268+3681C>T (NM_001286044.2).
Identifiers: ClinVar variation 737014 (VCV000737014.12), dbSNP rs202218503, ClinGen allele CA912949.